The following is an entry in ClinVar:

ClinVar aggregate classification (germline): Conflicting classifications of pathogenicity. Review status: criteria provided, conflicting classifications (1 of 4 stars). 2 submissions from 2 submitters: Uncertain significance (1); Likely benign (1). Last evaluated 2024-06-03.

Conditions:
Inborn genetic diseases. Identifiers: MedGen C0950123, MeSH D030342.
Transcobalamin II deficiency (TCN2D). Also called: TC II DEFICIENCY; TCN2 DEFICIENCY; Transcolabamin II deficiency. Identifiers: Orphanet 859, MedGen C0342701, MONDO:0010149, OMIM 275350.

Allele frequency attached by ClinVar (database versions not stated): gnomAD exomes below 0.00001.

Submissions (2):

Ambry Genetics
Classification: Likely benign for Inborn genetic diseases. Last evaluated: 2024-06-03. Review status: criteria provided, single submitter. Criteria: Ambry Variant Classification Scheme 2023. Collection method: clinical testing. Allele origin: germline.

Labcorp Genetics (formerly Invitae), Labcorp
Classification: Uncertain significance for Transcobalamin II deficiency. Last evaluated: 2022-09-14. Review status: criteria provided, single submitter. Criteria: Invitae Variant Classification Sherloc (09022015). Collection method: clinical testing. Allele origin: germline.
Comment: This sequence change replaces phenylalanine, which is neutral and non-polar, with leucine, which is neutral and non-polar, at codon 7 of the TCN2 protein (p.Phe7Leu). This variant is not present in population databases (gnomAD no frequency). This variant has not been reported in the literature in individuals affected with TCN2-related conditions. Algorithms developed to predict the effect of missense changes on protein structure and function output the following: SIFT: "Tolerated"; PolyPhen-2: "Benign"; Align-GVGD: "Class C0". The leucine amino acid residue is found in multiple mammalian species, which suggests that this missense change does not adversely affect protein function. In summary, the available evidence is currently insufficient to determine the role of this variant in disease. Therefore, it has been classified as a Variant of Uncertain Significance.

NM_000355.4(TCN2):c.19T>C (p.Phe7Leu)

Genes: TCN2 (transcobalamin 2; plus strand), LOC121853040 (Sharpr-MPRA regulatory region 10016; plus strand). Cytogenetic location: 22q12.2.
Variant type: single nucleotide variant.
Coding change: c.19T>C on transcript NM_000355.4 (MANE Select); coding-DNA position 19, T replaced by C.
Protein change: p.Phe7Leu; replaces phenylalanine 7 with leucine.
Molecular consequence: missense variant.
Genome position (GRCh38, 1-based): chr22:30,607,350, T>C. VCF-style: chr22-30607350-T-C. GRCh37 (hg19) VCF-style: chr22-31003337-T-C.
Other names: c.19T>C (NM_000355.3); c.19T>C, p.Phe7Leu (NM_001184726.2); short protein forms F7L.
Identifiers: ClinVar variation 2008968 (VCV002008968.2), dbSNP rs2517894740, ClinGen allele CA411204672.